The following is an entry in ClinVar:

ClinVar aggregate classification (germline): Likely pathogenic (1 of 4 stars; one submission).

Conditions:
Familial dysautonomia. Also called: HSAN III; FD. Identifiers: Orphanet 1764, MedGen C0013364, MONDO:0009131, OMIM 223900. Disease mechanism: loss of function.

gnomAD v4.1: 1 of 1,613,904 alleles (0.000062%); highest among the groups gnomAD compares: Admixed American, 0.0017%; no homozygotes.

Submission:

Natera, Inc.
Classification: Likely pathogenic for Familial dysautonomia. Last evaluated: 2025-09-24. Review status: criteria provided, single submitter. Criteria: Natera Variant Classification Schema (03/2026). Collection method: clinical testing. Allele origin: germline.
Comment: The c.2736+2T>C variant in ELP1 is a canonical splice donor site variant predicted to affect pre-mRNA splicing, which may result in an abnormal transcript and altered protein product. This variant is expected to result in nonsense mediated decay, truncation, or a dysfunctional protein product. This variant is rare in the general population with a frequency below the threshold expected for the associated phenotype(s). Given the available evidence, this variant is classified as Likely Pathogenic.

NM_003640.5(ELP1):c.2736+2T>C

Gene: ELP1 (elongator acetyltransferase complex subunit 1; minus strand). Cytogenetic location: 9q31.3.
Variant type: single nucleotide variant.
Coding change: c.2736+2T>C on transcript NM_003640.5 (MANE Select); the canonical splice donor site of the intron after coding-DNA position 2736, T replaced by C.
Molecular consequence: splice donor variant.
Genome position (GRCh38, 1-based): chr9:108,896,494, A>G on the plus strand (T>C on the coding strand, the complement: ELP1 is on the minus strand). VCF-style: chr9-108896494-A-G. GRCh37 (hg19) VCF-style: chr9-111658774-A-G.
Other names: c.2394+2T>C (NM_001318360.2); c.1689+2T>C (NM_001330749.2).
Identifiers: ClinVar variation 4815204 (VCV004815204.1).